The following is an entry in ClinVar:

ClinVar aggregate classification (germline): Uncertain significance (1 of 4 stars; one submission).

Submission:

Labcorp Genetics (formerly Invitae), Labcorp
Classification: Uncertain significance. Last evaluated: 2024-11-11. Review status: criteria provided, single submitter. Criteria: Invitae Variant Classification Sherloc (09022015). Collection method: clinical testing. Allele origin: germline.
Comment: This variant, c.153_155del, results in the deletion of 1 amino acid(s) of the GUCA1B protein (p.Asp51del), but otherwise preserves the integrity of the reading frame. This variant is present in population databases (no rsID available, gnomAD 0.02%). This variant has not been reported in the literature in individuals affected with GUCA1B-related conditions. ClinVar contains an entry for this variant (Variation ID: 1005079). Experimental studies and prediction algorithms are not available or were not evaluated, and the functional significance of this variant is currently unknown. In summary, the available evidence is currently insufficient to determine the role of this variant in disease. Therefore, it has been classified as a Variant of Uncertain Significance.

NM_002098.6(GUCA1B):c.153_155del (p.Asp51del)

Gene: GUCA1B (guanylate cyclase activator 1B; minus strand). Cytogenetic location: 6p21.1.
Variant type: Deletion.
Coding change: c.153_155del on transcript NM_002098.6 (MANE Select); coding-DNA positions 153 to 155, 3 bases deleted (TGA; older notation c.153_155delTGA).
Protein change: p.Asp51del; deletes aspartic acid 51.
Molecular consequence: inframe deletion.
Genome position (GRCh38, 1-based): chr6:42,194,666-42,194,668, TCA deleted on the plus strand (TGA on the coding strand, the reverse complement: GUCA1B is on the minus strand); deleting any 3 consecutive bases within chr6:42,194,666-42,194,670 gives the same sequence; the c. name uses the placement nearest the transcript's 3' end. VCF-style (leftmost placement, unchanged base first): chr6-42194665-CTCA-C. GRCh37 (hg19) VCF-style: chr6-42162403-CTCA-C.
Other names: short protein forms D51del.
Identifiers: ClinVar variation 1005079 (VCV001005079.8), dbSNP rs1421823326, ClinGen allele CA567149200.